The following is an entry in ClinVar:

NC_000008.10:g.(?_100443745)_(100533258_?)dup

Gene: VPS13B (vacuolar protein sorting 13 homolog B; plus strand). Cytogenetic location: 8q22.2.
Variant type: Duplication.
Identifiers: ClinVar variation 3245469 (VCV003245469.1).

ClinVar aggregate classification (germline): Likely pathogenic (1 of 4 stars; one submission).

Conditions:
Cohen syndrome (COH1). Also called: Cutis verticis gyrata, retinitis pigmentosa, and sensorineural deafness; PEPPER SYNDROME. Identifiers: Orphanet 193, MedGen C0265223, MONDO:0008999, OMIM 216550.

Submission:

Labcorp Genetics (formerly Invitae), Labcorp
Classification: Likely pathogenic for Cohen syndrome. Last evaluated: 2023-07-17. Review status: criteria provided, single submitter. Criteria: Invitae Variant Classification Sherloc (09022015). Collection method: clinical testing. Allele origin: unknown.
Comment: In summary, the currently available evidence indicates that the variant is pathogenic, but additional data are needed to prove that conclusively. Therefore, this variant has been classified as Likely Pathogenic. This variant has not been reported in the literature in individuals affected with VPS13B-related conditions. This variant results in a copy number gain of the genomic region encompassing exon(s) 22-30 of the VPS13B gene. While the exact position of this variant cannot be determined from the data, sub-genic copy number gains are generally in tandem (PMID: 25640679). This variant is predicted to be out-of-frame, and may result in an absent or disrupted protein product. Loss-of-function variants in VPS13B are known to be pathogenic (PMID: 15141358, 16648375, 20461111).

Literature cited by the submitters: PubMed 25640679; PubMed 15141358; PubMed 16648375; PubMed 20461111.